The following is an entry in ClinVar:

NM_031454.2(SELENOO):c.1824C>T (p.Ala608=)

Gene: SELENOO (selenoprotein O; plus strand). Cytogenetic location: 22q13.33.
Variant type: single nucleotide variant.
Coding change: c.1824C>T on transcript NM_031454.2 (MANE Select); coding-DNA position 1824, C replaced by T.
Protein change: p.Ala608=; no amino-acid change (alanine 608 retained).
Molecular consequence: synonymous variant.
Genome position (GRCh38, 1-based): chr22:50,217,107, C>T. VCF-style: chr22-50217107-C-T. GRCh37 (hg19) VCF-style: chr22-50655536-C-T.
Identifiers: ClinVar variation 2653369 (VCV002653369.24), dbSNP rs777956711, ClinGen allele CA10306807.

ClinVar aggregate classification (germline): Likely benign (1 of 4 stars; one submission).

Allele frequency attached by ClinVar (database versions not stated): ExAC 0.00002; gnomAD 0.00003; TOPMed 0.00003.

Submission:

CeGaT Center for Human Genetics Tuebingen
Classification: Likely benign. Last evaluated: 2023-03-01. Review status: criteria provided, single submitter. Criteria: CeGaT Center For Human Genetics Tuebingen Variant Classification Criteria Version 2. Collection method: clinical testing. Allele origin: germline. Affected: yes. Observed: 1 variant allele.
Comment: SELENOO: BP4, BP7